The following is an entry in ClinVar:

NM_007272.3(CTRC):c.602T>C (p.Val201Ala)

Gene: CTRC (chymotrypsin C; plus strand). Cytogenetic location: 1p36.21.
Variant type: single nucleotide variant.
Coding change: c.602T>C on transcript NM_007272.3 (MANE Select); coding-DNA position 602, T replaced by C.
Protein change: p.Val201Ala; replaces valine 201 with alanine.
Molecular consequence: missense variant.
Genome position (GRCh38, 1-based): chr1:15,444,714, T>C. VCF-style: chr1-15444714-T-C. GRCh37 (hg19) VCF-style: chr1-15771209-T-C.
Other names: short protein forms V201A.
Identifiers: ClinVar variation 1751178 (VCV001751178.6), dbSNP rs1229058534, ClinGen allele CA338567397.

ClinVar aggregate classification (germline): Uncertain significance. Review status: criteria provided, multiple submitters, no conflicts (2 of 4 stars). 2 submissions from 2 submitters: Uncertain significance (2). Last evaluated 2025-12-29.

Conditions:
Hereditary pancreatitis (PCTT). Also called: Hereditary chronic pancreatitis; PRSS1-Related Hereditary Pancreatitis. Identifiers: Orphanet 676, MedGen C0238339, MONDO:0008185, OMIM 167800.

Allele frequency attached by ClinVar (database versions not stated): gnomAD exomes below 0.00001; TOPMed 0.00002; gnomAD 0.00003.
gnomAD v4.1: 10 of 1,614,048 alleles (0.00062%); highest among the groups gnomAD compares: African/African-American, 0.012%; no homozygotes.

Submissions (2):

Ambry Genetics
Classification: Uncertain significance for Hereditary pancreatitis. Last evaluated: 2025-12-29. Review status: criteria provided, single submitter. Criteria: Ambry Variant Classification Scheme 2023. Collection method: clinical testing. Allele origin: germline.

Labcorp Genetics (formerly Invitae), Labcorp
Classification: Uncertain significance for Hereditary pancreatitis. Last evaluated: 2024-09-30. Review status: criteria provided, single submitter. Criteria: Invitae Variant Classification Sherloc (09022015). Collection method: clinical testing. Allele origin: germline.
Comment: This sequence change replaces valine, which is neutral and non-polar, with alanine, which is neutral and non-polar, at codon 201 of the CTRC protein (p.Val201Ala). This variant is present in population databases (no rsID available, gnomAD 0.02%). This variant has not been reported in the literature in individuals affected with CTRC-related conditions. ClinVar contains an entry for this variant (Variation ID: 1751178). Invitae Evidence Modeling of protein sequence and biophysical properties (such as structural, functional, and spatial information, amino acid conservation, physicochemical variation, residue mobility, and thermodynamic stability) indicates that this missense variant is expected to disrupt CTRC protein function with a positive predictive value of 80%. In summary, the available evidence is currently insufficient to determine the role of this variant in disease. Therefore, it has been classified as a Variant of Uncertain Significance.